The following is an entry in ClinVar:

ClinVar aggregate classification (germline): Uncertain significance (1 of 4 stars; one submission).

Submission:

CeGaT Center for Human Genetics Tuebingen
Classification: Uncertain significance. Last evaluated: 2023-04-01. Review status: criteria provided, single submitter. Criteria: CeGaT Center For Human Genetics Tuebingen Variant Classification Criteria Version 2. Collection method: clinical testing. Allele origin: germline. Affected: yes. Observed: 1 variant allele.
Comment: TNPO2: PM2, PP2

NM_001382241.1(TNPO2):c.1441G>C (p.Glu481Gln)

Gene: TNPO2 (transportin 2; minus strand). Cytogenetic location: 19p13.13.
Variant type: single nucleotide variant.
Coding change: c.1441G>C on transcript NM_001382241.1 (MANE Select); coding-DNA position 1441, G replaced by C.
Protein change: p.Glu481Gln; replaces glutamic acid 481 with glutamine.
Molecular consequence: missense variant. On other transcripts: non-coding transcript variant (6).
Genome position (GRCh38, 1-based): chr19:12,706,625, C>G on the plus strand (G>C on the coding strand, the complement: TNPO2 is on the minus strand). VCF-style: chr19-12706625-C-G. GRCh37 (hg19) VCF-style: chr19-12817439-C-G.
Other names: c.1441G>C, p.Glu481Gln (NM_001136195.2, NM_001136196.2, NM_001382236.1 and 7 more transcripts); short protein forms E481Q.
Identifiers: ClinVar variation 2649345 (VCV002649345.24), dbSNP rs2512656169, ClinGen allele CA404242532.